The following is an entry in ClinVar:

ClinVar aggregate classification (germline): Likely benign (0 of 4 stars; one submission).

Conditions:
LRP1B-related disorder. Also called: LRP1B-related condition.

gnomAD v4.1: 116 of 1,593,602 alleles (0.0073%); highest among the groups gnomAD compares: African/African-American, 0.13%; 1 homozygote.

Submission:

PreventionGenetics, part of Exact Sciences
Classification: Likely benign for LRP1B-related condition. Last evaluated: 2019-08-08. Review status: no assertion criteria provided. Collection method: clinical testing. Allele origin: germline.
Comment: This variant is classified as likely benign based on ACMG/AMP sequence variant interpretation guidelines (Richards et al. 2015 PMID: 25741868, with internal and published modifications).

NM_018557.3(LRP1B):c.1308C>T (p.Ile436=)

Gene: LRP1B (LDL receptor related protein 1B; minus strand). Cytogenetic location: 2q22.1.
Variant type: single nucleotide variant.
Coding change: c.1308C>T on transcript NM_018557.3 (MANE Select); coding-DNA position 1308, C replaced by T.
Protein change: p.Ile436=; no amino-acid change (isoleucine 436 retained).
Molecular consequence: synonymous variant.
Genome position (GRCh38, 1-based): chr2:141,058,983, G>A on the plus strand (C>T on the coding strand, the complement: LRP1B is on the minus strand). VCF-style: chr2-141058983-G-A. GRCh37 (hg19) VCF-style: chr2-141816552-G-A.
Identifiers: ClinVar variation 3034298 (VCV003034298.2), dbSNP rs147371945, ClinGen allele CA1896049.